The following is an entry in ClinVar:

ClinVar aggregate classification (germline): Conflicting classifications of pathogenicity. Review status: criteria provided, conflicting classifications (1 of 4 stars). 2 submissions from 2 submitters: Uncertain significance (1); Likely benign (1). Last evaluated 2024-09-11.

Allele frequency attached by ClinVar (database versions not stated): ExAC 0.00001; gnomAD exomes 0.00007; TOPMed 0.00013; gnomAD 0.00022.
gnomAD v4.1: 68 of 1,606,064 alleles (0.0042%); highest among the groups gnomAD compares: Admixed American, 0.077%; no homozygotes.

Submissions (2):

Ambry Genetics
Classification: Likely benign. Last evaluated: 2024-09-11. Review status: criteria provided, single submitter. Criteria: Ambry Variant Classification Scheme 2023. Collection method: clinical testing. Allele origin: germline.

Labcorp Genetics (formerly Invitae), Labcorp
Classification: Uncertain significance. Last evaluated: 2021-09-01. Review status: criteria provided, single submitter. Criteria: Invitae Variant Classification Sherloc (09022015). Collection method: clinical testing. Allele origin: germline.
Comment: This sequence change replaces alanine with threonine at codon 114 of the ICK protein (p.Ala114Thr). The alanine residue is highly conserved and there is a small physicochemical difference between alanine and threonine. This variant is present in population databases (rs766465153, ExAC 0.006%). This variant has not been reported in the literature in individuals affected with ICK-related conditions. Algorithms developed to predict the effect of missense changes on protein structure and function are either unavailable or do not agree on the potential impact of this missense change (SIFT: "Deleterious"; PolyPhen-2: "Benign"; Align-GVGD: "Class C55"). In summary, the available evidence is currently insufficient to determine the role of this variant in disease. Therefore, it has been classified as a Variant of Uncertain Significance.

NM_014920.5(CILK1):c.340G>A (p.Ala114Thr)

Gene: CILK1 (ciliogenesis associated kinase 1; minus strand). Cytogenetic location: 6p12.1.
Variant type: single nucleotide variant.
Coding change: c.340G>A on transcript NM_014920.5 (MANE Select); coding-DNA position 340, G replaced by A.
Protein change: p.Ala114Thr; replaces alanine 114 with threonine.
Molecular consequence: missense variant. On other transcripts: non-coding transcript variant (1).
Genome position (GRCh38, 1-based): chr6:53,031,083, C>T on the plus strand (G>A on the coding strand, the complement: CILK1 is on the minus strand). VCF-style: chr6-53031083-C-T. GRCh37 (hg19) VCF-style: chr6-52895881-C-T.
Other names: c.340G>A, p.Ala114Thr (NM_001375397.1, NM_001375398.1, NM_001375399.1 and 4 more transcripts); c.340G>A (NM_016513.4); short protein forms A114T.
Identifiers: ClinVar variation 1680567 (VCV001680567.6), dbSNP rs766465153, ClinGen allele CA3858834.